The following is an entry in ClinVar:

NM_002691.4(POLD1):c.1383+4T>A

Gene: POLD1 (DNA polymerase delta 1, catalytic subunit; plus strand). Cytogenetic location: 19q13.33.
Variant type: single nucleotide variant.
Coding change: c.1383+4T>A on transcript NM_002691.4 (MANE Select); 4 bases into the intron after coding-DNA position 1383, T replaced by A.
Molecular consequence: intron variant.
Genome position (GRCh38, 1-based): chr19:50,406,326, T>A. VCF-style: chr19-50406326-T-A. GRCh37 (hg19) VCF-style: chr19-50909583-T-A.
Other names: c.1383+4T>A (LRG_785t1, NM_001256849.1, NM_001308632.1 and 1 more transcripts).
Identifiers: ClinVar variation 408110 (VCV000408110.15), dbSNP rs1060501854, ClinGen allele CA16616128.

ClinVar aggregate classification (germline): Conflicting classifications of pathogenicity. Review status: criteria provided, conflicting classifications (1 of 4 stars). 4 submissions from 4 submitters: Uncertain significance (2); Likely benign (2). Last evaluated 2025-11-25.

Conditions:
Hereditary cancer-predisposing syndrome. Also called: Neoplastic Syndromes, Hereditary; Hereditary neoplastic syndrome; Hereditary Cancer Syndrome; Tumor predisposition. Identifiers: Orphanet 140162, MedGen C0027672, MeSH D009386, MONDO:0015356.
POLD1-related polyposis and colorectal cancer syndrome (CRCS10). Also called: Colorectal cancer, susceptibility to, 10; Colorectal cancer 10; COLORECTAL CANCER, SUSCEPTIBILITY TO, ON CHROMOSOME 19q. Identifiers: Orphanet 220460, MedGen C2675481, MONDO:0012953, OMIM 612591.

Allele frequency attached by ClinVar (database versions not stated): gnomAD exomes below 0.00001.
gnomAD v4.1: 1 of 1,613,760 alleles (0.000062%); highest among the groups gnomAD compares: Admixed American, 0.0017%; no homozygotes.

Submissions (4):

Labcorp Genetics (formerly Invitae), Labcorp
Classification: Likely benign for POLD1-related polyposis and colorectal cancer syndrome. Last evaluated: 2025-11-25. Review status: criteria provided, single submitter. Criteria: Invitae Variant Classification Sherloc (09022015). Collection method: clinical testing. Allele origin: germline.

Ambry Genetics
Classification: Uncertain significance for Hereditary cancer-predisposing syndrome. Last evaluated: 2025-04-22. Review status: criteria provided, single submitter. Criteria: Ambry Variant Classification Scheme 2023. Collection method: clinical testing. Allele origin: germline.
Comment: The c.1383+4T>A intronic variant results from a T to A substitution 4 nucleotides after coding exon 10 in the POLD1 gene. This nucleotide position is well conserved in available vertebrate species. In silico splice site analysis predicts that this alteration will not have any significant effect on splicing. Based on the available evidence, the clinical significance of this variant remains unclear.

Myriad Genetics, Inc.
Classification: Likely benign for POLD1-related polyposis and colorectal cancer syndrome. Last evaluated: 2025-02-06. Review status: criteria provided, single submitter. Criteria: Myriad Autosomal Dominant, Autosomal Recessive and X-Linked Classification Criteria (2023). Collection method: clinical testing. Allele origin: unknown.
Comment: This variant is considered likely benign. This variant is intronic and is not expected to impact mRNA splicing.

Quest Diagnostics Nichols Institute San Juan Capistrano
Classification: Uncertain significance. Last evaluated: 2019-07-23. Review status: criteria provided, single submitter. Criteria: Quest Diagnostics criteria. Collection method: clinical testing. Allele origin: germline.